The following is an entry in ClinVar:

NM_014738.6(TMEM94):c.3912C>T (p.Asp1304=)

Gene: TMEM94 (transmembrane protein 94; plus strand). Cytogenetic location: 17q25.1.
Variant type: single nucleotide variant.
Coding change: c.3912C>T on transcript NM_014738.6 (MANE Select); coding-DNA position 3912, C replaced by T.
Protein change: p.Asp1304=; no amino-acid change (aspartic acid 1304 retained).
Molecular consequence: synonymous variant.
Genome position (GRCh38, 1-based): chr17:75,498,996, C>T. VCF-style: chr17-75498996-C-T. GRCh37 (hg19) VCF-style: chr17-73495077-C-T.
Other names: c.3939C>T, p.Asp1313= (NM_001351203.2); c.3942C>T, p.Asp1314= (NM_001321148.2); c.3924C>T, p.Asp1308= (NM_001321149.2); c.3864C>T, p.Asp1288= (NM_001351202.2); c.3912C>T (NM_014738.5).
Identifiers: ClinVar variation 3025366 (VCV003025366.22), dbSNP rs114702811, ClinGen allele CA8762679.

ClinVar aggregate classification (germline): Benign. Review status: criteria provided, single submitter (1 of 4 stars). 2 submissions from 2 submitters: Benign (1). 1 of the submissions does not count toward it. Last evaluated 2024-01-01.

Conditions:
TMEM94-related disorder. Also called: TMEM94-related condition.

Allele frequency attached by ClinVar (database versions not stated): gnomAD exomes 0.00027; ExAC 0.00104; 1000 Genomes Project 30x 0.00156; 1000 Genomes Project 0.00200; gnomAD 0.00297; TOPMed 0.00351; ESP Exome Variant Server 0.00400.
gnomAD v4.1: 866 of 1,602,918 alleles (0.054%); highest among the groups gnomAD compares: African/African-American, 1%; 9 homozygotes.

Submissions (2):

CeGaT Center for Human Genetics Tuebingen
Classification: Benign. Last evaluated: 2024-01-01. Review status: criteria provided, single submitter. Criteria: CeGaT Center For Human Genetics Tuebingen Variant Classification Criteria Version 2. Collection method: clinical testing. Allele origin: germline. Affected: yes. Observed: 1 variant allele.
Comment: TMEM94: BS1, BS2

PreventionGenetics, part of Exact Sciences
Classification: Benign for TMEM94-related condition. Last evaluated: 2024-09-11. Review status: no assertion criteria provided. Collection method: clinical testing. Allele origin: germline. Not counted in ClinVar's aggregate classification.
Comment: This variant is classified as benign based on ACMG/AMP sequence variant interpretation guidelines (Richards et al. 2015 PMID: 25741868, with internal and published modifications).